The following is an entry in ClinVar:

NM_000018.4(ACADVL):c.1213G>A (p.Asp405Asn)

Gene: ACADVL (acyl-CoA dehydrogenase very long chain; plus strand). Cytogenetic location: 17p13.1.
Variant type: single nucleotide variant.
Coding change: c.1213G>A on transcript NM_000018.4 (MANE Select); coding-DNA position 1213, G replaced by A.
Protein change: p.Asp405Asn; replaces aspartic acid 405 with asparagine.
Molecular consequence: missense variant.
Genome position (GRCh38, 1-based): chr17:7,223,674, G>A. VCF-style: chr17-7223674-G-A. GRCh37 (hg19) VCF-style: chr17-7126993-G-A.
Other names: c.1147G>A, p.Asp383Asn (NM_001033859.3); c.1282G>A, p.Asp428Asn (NM_001270447.2); c.985G>A, p.Asp329Asn (NM_001270448.2); short protein forms D329N, D405N, D428N, D383N.
Identifiers: ClinVar variation 1954251 (VCV001954251.5), dbSNP rs755981642, ClinGen allele CA8338038.

ClinVar aggregate classification (germline): Likely pathogenic (1 of 4 stars; one submission).

Conditions:
Very long chain acyl-CoA dehydrogenase deficiency (ACADVLD). Also called: VLCAD Deficiency; Very Long-Chain Acyl-Coenzyme A Dehydrogenase Deficiency. Identifiers: Orphanet 26793, MedGen C3887523, MONDO:0008723, OMIM 201475.

Allele frequency attached by ClinVar (database versions not stated): ExAC 0.00001.
gnomAD v4.1: 1 of 1,614,052 alleles (0.000062%); highest among the groups gnomAD compares: Non-Finnish European, 0.000085%; no homozygotes.

Submission:

Labcorp Genetics (formerly Invitae), Labcorp
Classification: Likely pathogenic for Very long chain acyl-CoA dehydrogenase deficiency. Last evaluated: 2022-10-25. Review status: criteria provided, single submitter. Criteria: Invitae Variant Classification Sherloc (09022015). Collection method: clinical testing. Allele origin: germline.
Comment: Advanced modeling of protein sequence and biophysical properties (such as structural, functional, and spatial information, amino acid conservation, physicochemical variation, residue mobility, and thermodynamic stability) performed at Invitae indicates that this missense variant is expected to disrupt ACADVL protein function. In summary, the currently available evidence indicates that the variant is pathogenic, but additional data are needed to prove that conclusively. Therefore, this variant has been classified as Likely Pathogenic. This variant disrupts the p.Asp405 amino acid residue in ACADVL. Other variant(s) that disrupt this residue have been determined to be pathogenic (PMID: 10518280). This suggests that this residue is clinically significant, and that variants that disrupt this residue are likely to be disease-causing. This variant has not been reported in the literature in individuals affected with ACADVL-related conditions. This variant is present in population databases (rs755981642, gnomAD 0.0009%). This sequence change replaces aspartic acid, which is acidic and polar, with asparagine, which is neutral and polar, at codon 405 of the ACADVL protein (p.Asp405Asn).

Literature cited by the submitters: PubMed 10518280.